The following is an entry in ClinVar:

NM_005343.4(HRAS):c.138T>G (p.Ile46Met)

Genes: LRRC56 (leucine rich repeat containing 56; plus strand), HRAS (HRas proto-oncogene, GTPase; minus strand). Cytogenetic location: 11p15.5.
Variant type: single nucleotide variant.
Coding change: c.138T>G on transcript NM_005343.4 (MANE Select); coding-DNA position 138, T replaced by G.
Protein change: p.Ile46Met; replaces isoleucine 46 with methionine.
Molecular consequence: missense variant. On other transcripts: 5 prime UTR variant (1).
Genome position (GRCh38, 1-based): chr11:533,918, A>C on the plus strand (T>G on the coding strand, the complement: HRAS is on the minus strand). VCF-style: chr11-533918-A-C. GRCh37 (hg19) VCF-style: chr11-533918-A-C.
Other names: c.138T>G, p.Ile46Met (NM_001130442.3, NM_176795.5); c.-182T>G (NM_001318054.2); short protein forms I46M.
Identifiers: ClinVar variation 1001274 (VCV001001274.9), dbSNP rs1851286467, ClinGen allele CA378924767.
Genomic context (GRCh38, chr11:533,918, plus strand): 5'-GGCGCTGTACTCCTCCTGGCCGGCGGTATCCAGGATGTCCAACAGGCACGTCTCCCCATC[A>C]ATGACCACCTGCTTCCGGTAGGAATCCTGCAGGAGGACAGGGCTCAGGGACCCCCTCAGG-3'
Protein context (NP_005334.1, residues 36-56): IEDSYRKQVV[Ile46Met]DGETCLLDIL

ClinVar aggregate classification (germline): Uncertain significance (1 of 4 stars; one submission).

Conditions:
Costello syndrome (CSTLO). Also called: FACIOCUTANEOSKELETAL SYNDROME; HRAS-Related Costello Syndrome; FCS SYNDROME. Identifiers: Orphanet 3071, MedGen C0587248, MONDO:0009026, OMIM 218040.

Submission:

Labcorp Genetics (formerly Invitae), Labcorp
Classification: Uncertain significance for Costello syndrome. Last evaluated: 2020-04-14. Review status: criteria provided, single submitter. Criteria: Invitae Variant Classification Sherloc (09022015). Collection method: clinical testing. Allele origin: germline.
Comment: In summary, the available evidence is currently insufficient to determine the role of this variant in disease. Therefore, it has been classified as a Variant of Uncertain Significance. Algorithms developed to predict the effect of missense changes on protein structure and function are either unavailable or do not agree on the potential impact of this missense change (SIFT: "Deleterious"; PolyPhen-2: "Possibly Damaging"; Align-GVGD: "Class C0"). This variant has not been reported in the literature in individuals with HRAS-related conditions. This variant is not present in population databases (ExAC no frequency). This sequence change replaces isoleucine with methionine at codon 46 of the HRAS protein (p.Ile46Met). The isoleucine residue is highly conserved and there is a small physicochemical difference between isoleucine and methionine.